The following is an entry in ClinVar:

NM_024675.4(PALB2):c.955T>C (p.Ser319Pro)

Gene: PALB2 (partner and localizer of BRCA2; minus strand). Cytogenetic location: 16p12.2.
Variant type: single nucleotide variant.
Coding change: c.955T>C on transcript NM_024675.4 (MANE Select); coding-DNA position 955, T replaced by C.
Protein change: p.Ser319Pro; replaces serine 319 with proline.
Molecular consequence: missense variant.
Genome position (GRCh38, 1-based): chr16:23,635,591, A>G on the plus strand (T>C on the coding strand, the complement: PALB2 is on the minus strand). VCF-style: chr16-23635591-A-G. GRCh37 (hg19) VCF-style: chr16-23646912-A-G.
Other names: short protein forms S319P.
Identifiers: ClinVar variation 461035 (VCV000461035.9), dbSNP rs1555461524, ClinGen allele CA395135063.

ClinVar aggregate classification (germline): Uncertain significance (1 of 4 stars; one submission).

Conditions:
Familial cancer of breast. Also called: BREAST CANCER, FAMILIAL; Hereditary breast cancer; hereditary breast carcinoma. Identifiers: Orphanet 227535, MedGen C0346153, MONDO:0016419, OMIM 114480. Disease mechanism: loss of function.

Submission:

Labcorp Genetics (formerly Invitae), Labcorp
Classification: Uncertain significance for Familial cancer of breast. Last evaluated: 2017-02-07. Review status: criteria provided, single submitter. Criteria: Invitae Variant Classification Sherloc (09022015). Collection method: clinical testing. Allele origin: germline.
Comment: In summary, this variant is a novel missense change that is not predicted to affect protein function. There is no indication that it causes disease, but the available evidence is currently insufficient to prove that conclusively. Therefore, it has been classified as a Variant of Uncertain Significance. Algorithms developed to predict the effect of missense changes on protein structure and function output the following: (SIFT: "Tolerated"; PolyPhen-2: "Benign"; Align-GVGD: "Class C0"). The proline amino acid residue is found in multiple mammalian species, suggesting that this missense change does not adversely affect protein function. These predictions have not been confirmed by published functional studies. This variant is not present in population databases (ExAC no frequency) and has not been reported in the literature in individuals with a PALB2-related disease. This sequence change replaces serine with proline at codon 319 of the PALB2 protein (p.Ser319Pro). The serine residue is weakly conserved and there is a moderate physicochemical difference between serine and proline.